The following is an entry in ClinVar:

ClinVar aggregate classification (germline): Uncertain significance. Review status: criteria provided, multiple submitters, no conflicts (2 of 4 stars). 3 submissions from 3 submitters: Uncertain significance (3). Last evaluated 2025-08-21.

Allele frequency attached by ClinVar (database versions not stated): ExAC 0.00001; TOPMed 0.00002; gnomAD 0.00003 and 0.00004; ESP Exome Variant Server 0.00008.
gnomAD v4.1: 29 of 1,612,410 alleles (0.0018%); highest among the groups gnomAD compares: African/African-American, 0.0027%; no homozygotes.

Submissions (3):

Ambry Genetics
Classification: Uncertain significance. Last evaluated: 2025-08-21. Review status: criteria provided, single submitter. Criteria: Ambry Variant Classification Scheme 2023. Collection method: clinical testing. Allele origin: germline.

Blueprint Genetics
Classification: Uncertain significance. Last evaluated: 2024-07-22. Review status: criteria provided, single submitter. Criteria: ACMG Guidelines, 2015. Collection method: clinical testing. Allele origin: germline.

Labcorp Genetics (formerly Invitae), Labcorp
Classification: Uncertain significance. Last evaluated: 2022-02-05. Review status: criteria provided, single submitter. Criteria: Invitae Variant Classification Sherloc (09022015). Collection method: clinical testing. Allele origin: germline.
Comment: This sequence change replaces arginine, which is basic and polar, with cysteine, which is neutral and slightly polar, at codon 435 of the LIG1 protein (p.Arg435Cys). This variant is present in population databases (rs367665775, gnomAD 0.003%). This variant has not been reported in the literature in individuals affected with LIG1-related conditions. ClinVar contains an entry for this variant (Variation ID: 1015657). Algorithms developed to predict the effect of missense changes on protein structure and function (SIFT, PolyPhen-2, Align-GVGD) all suggest that this variant is likely to be disruptive. In summary, the available evidence is currently insufficient to determine the role of this variant in disease. Therefore, it has been classified as a Variant of Uncertain Significance.

NM_000234.3(LIG1):c.1303C>T (p.Arg435Cys)

Gene: LIG1 (DNA ligase 1; minus strand). Cytogenetic location: 19q13.33.
Variant type: single nucleotide variant.
Coding change: c.1303C>T on transcript NM_000234.3 (MANE Select); coding-DNA position 1303, C replaced by T.
Protein change: p.Arg435Cys; replaces arginine 435 with cysteine.
Molecular consequence: missense variant. On other transcripts: non-coding transcript variant (6).
Genome position (GRCh38, 1-based): chr19:48,137,036, G>A on the plus strand (C>T on the coding strand, the complement: LIG1 is on the minus strand). VCF-style: chr19-48137036-G-A. GRCh37 (hg19) VCF-style: chr19-48640293-G-A.
Other names: c.1303C>T (NM_000234.1); c.1210C>T, p.Arg404Cys (NM_001289063.2); c.1099C>T, p.Arg367Cys (NM_001289064.2); c.1300C>T, p.Arg434Cys (NM_001320970.2); c.1213C>T, p.Arg405Cys (NM_001320971.2); short protein forms R367C, R404C, R405C, R434C, R435C.
Identifiers: ClinVar variation 1015657 (VCV001015657.8), dbSNP rs367665775, ClinGen allele CA9546878.